The following is an entry in ClinVar:

ClinVar aggregate classification (germline): Uncertain significance. Review status: criteria provided, multiple submitters, no conflicts (2 of 4 stars). 2 submissions from 2 submitters: Uncertain significance (2). Last evaluated 2025-02-09.

Conditions:
Inborn genetic diseases. Identifiers: MedGen C0950123, MeSH D030342.

gnomAD v4.1: 5 of 1,613,772 alleles (0.00031%); highest among the groups gnomAD compares: Non-Finnish European, 0.00042%; no homozygotes.

Submissions (2):

Ambry Genetics
Classification: Uncertain significance for Inborn genetic diseases. Last evaluated: 2025-02-09. Review status: criteria provided, single submitter. Criteria: Ambry Variant Classification Scheme 2023. Collection method: clinical testing. Allele origin: germline.
Comment: The p.Y1369H variant (also known as c.4105T>C), located in coding exon 1 of the SAMD9 gene, results from a T to C substitution at nucleotide position 4105. The tyrosine at codon 1369 is replaced by histidine, an amino acid with similar properties. This amino acid position is conserved. In addition, the in silico prediction for this alteration is inconclusive. Based on the available evidence, the clinical significance of this variant remains unclear.

GeneDx
Classification: Uncertain significance. Last evaluated: 2024-02-08. Review status: criteria provided, single submitter. Criteria: GeneDx Variant Classification Process June 2021. Collection method: clinical testing. Allele origin: germline. Affected: yes.
Comment: Not observed at significant frequency in large population cohorts (gnomAD); In silico analysis supports that this missense variant has a deleterious effect on protein structure/function; Has not been previously published as pathogenic or benign to our knowledge

NM_017654.4(SAMD9):c.4105T>C (p.Tyr1369His)

Gene: SAMD9 (sterile alpha motif domain containing 9; minus strand). Cytogenetic location: 7q21.2.
Variant type: single nucleotide variant.
Coding change: c.4105T>C on transcript NM_017654.4 (MANE Select); coding-DNA position 4105, T replaced by C.
Protein change: p.Tyr1369His; replaces tyrosine 1369 with histidine.
Molecular consequence: missense variant.
Genome position (GRCh38, 1-based): chr7:93,101,993, A>G on the plus strand (T>C on the coding strand, the complement: SAMD9 is on the minus strand). VCF-style: chr7-93101993-A-G. GRCh37 (hg19) VCF-style: chr7-92731306-A-G.
Other names: c.4105T>C, p.Tyr1369His (NM_001193307.2); short protein forms Y1369H.
Identifiers: ClinVar variation 3368786 (VCV003368786.2).